The following is an entry in ClinVar:

NM_144991.3(TSPEAR):c.358G>A (p.Gly120Ser)

Gene: TSPEAR (thrombospondin type laminin G domain and EAR repeats; minus strand). Cytogenetic location: 21q22.3.
Variant type: single nucleotide variant.
Coding change: c.358G>A on transcript NM_144991.3 (MANE Select); coding-DNA position 358, G replaced by A.
Protein change: p.Gly120Ser; replaces glycine 120 with serine.
Molecular consequence: missense variant.
Genome position (GRCh38, 1-based): chr21:44,533,869, C>T on the plus strand (G>A on the coding strand, the complement: TSPEAR is on the minus strand). VCF-style: chr21-44533869-C-T. GRCh37 (hg19) VCF-style: chr21-45953752-C-T.
Other names: c.358G>A (NM_144991.2); c.154G>A, p.Gly52Ser (NM_001272037.2); short protein forms G120S, G52S.
Identifiers: ClinVar variation 1379649 (VCV001379649.7), dbSNP rs138031432, ClinGen allele CA10057045.
Genomic context (GRCh38, chr21:44,533,869, plus strand): 5'-CGCCGGCCGTGTCCTCGCGAAGGAACAGGAAGTGCAGCTGGGCAGGTGACAACCGCAGGC[C>T]GAGCAGCAGCAGGTCGCTCTCCTCTGCCACCACCGTCAGCAGGTACTCGTTCCTCTGTGG-3'
Protein context (NP_659428.2, residues 110-130): VAEESDLLLL[Gly120Ser]LRLSPAQLHF

ClinVar aggregate classification (germline): Uncertain significance. Review status: criteria provided, multiple submitters, no conflicts (2 of 4 stars). 5 submissions from 5 submitters: Uncertain significance (5). Last evaluated 2024-07-11.

Conditions:
Ectodermal dysplasia 14, hair/tooth type with or without hypohidrosis. Identifiers: Orphanet 685067, MedGen C4748560, MONDO:0032584, OMIM 618180.
Autosomal recessive nonsyndromic hearing loss 98. Also called: Deafness, autosomal recessive 98. Identifiers: Orphanet 90636, MedGen C3553932, MONDO:0013929, OMIM 614861.
Inborn genetic diseases. Identifiers: MedGen C0950123, MeSH D030342.

Allele frequency attached by ClinVar (database versions not stated): ExAC 0.00010; ESP Exome Variant Server 0.00015; 1000 Genomes Project 30x 0.00016; 1000 Genomes Project 0.00020.
gnomAD v4.1: 134 of 1,612,214 alleles (0.0083%); highest among the groups gnomAD compares: South Asian, 0.044%; no homozygotes.

Submissions (5):

Blueprint Genetics
Classification: Uncertain significance. Last evaluated: 2024-07-11. Review status: criteria provided, single submitter. Criteria: ACMG Guidelines, 2015. Collection method: clinical testing. Allele origin: germline.

Labcorp Genetics (formerly Invitae), Labcorp
Classification: Uncertain significance. Last evaluated: 2023-08-17. Review status: criteria provided, single submitter. Criteria: Invitae Variant Classification Sherloc (09022015). Collection method: clinical testing. Allele origin: germline.
Comment: This sequence change replaces glycine, which is neutral and non-polar, with serine, which is neutral and polar, at codon 120 of the TSPEAR protein (p.Gly120Ser). This variant is present in population databases (rs138031432, gnomAD 0.05%). This variant has not been reported in the literature in individuals affected with TSPEAR-related conditions. ClinVar contains an entry for this variant (Variation ID: 1379649). Advanced modeling of protein sequence and biophysical properties (such as structural, functional, and spatial information, amino acid conservation, physicochemical variation, residue mobility, and thermodynamic stability) performed at Invitae indicates that this missense variant is not expected to disrupt TSPEAR protein function. In summary, the available evidence is currently insufficient to determine the role of this variant in disease. Therefore, it has been classified as a Variant of Uncertain Significance.

GeneDx
Classification: Uncertain significance. Last evaluated: 2023-07-21. Review status: criteria provided, single submitter. Criteria: GeneDx Variant Classification Process June 2021. Collection method: clinical testing. Allele origin: germline. Affected: yes.
Comment: In silico analysis supports that this missense variant has a deleterious effect on protein structure/function; Has not been previously published as pathogenic or benign to our knowledge

Fulgent Genetics
Classification: Uncertain significance for Autosomal recessive nonsyndromic hearing loss 98; Ectodermal dysplasia 14, hair/tooth type with or without hypohidrosis. Last evaluated: 2021-11-09. Review status: criteria provided, single submitter. Criteria: ACMG Guidelines, 2015. Collection method: clinical testing. Allele origin: unknown.

Ambry Genetics
Classification: Uncertain significance for Inborn genetic diseases. Last evaluated: 2021-07-09. Review status: criteria provided, single submitter. Criteria: Ambry Variant Classification Scheme 2023. Collection method: clinical testing. Allele origin: germline.